The following is an entry in ClinVar:

NM_000393.5(COL5A2):c.897G>C (p.Lys299Asn)

Gene: COL5A2 (collagen type V alpha 2 chain; minus strand). Cytogenetic location: 2q32.2.
Variant type: single nucleotide variant.
Coding change: c.897G>C on transcript NM_000393.5 (MANE Select); coding-DNA position 897, G replaced by C.
Protein change: p.Lys299Asn; replaces lysine 299 with asparagine.
Molecular consequence: missense variant.
Genome position (GRCh38, 1-based): chr2:189,080,999, C>G on the plus strand (G>C on the coding strand, the complement: COL5A2 is on the minus strand). VCF-style: chr2-189080999-C-G. GRCh37 (hg19) VCF-style: chr2-189945725-C-G.
Other names: short protein forms K299N.
Identifiers: ClinVar variation 2626094 (VCV002626094.2), dbSNP rs756111059, ClinGen allele CA349857157.

ClinVar aggregate classification (germline): Uncertain significance (1 of 4 stars; one submission).

Conditions:
Familial thoracic aortic aneurysm and aortic dissection (TAAD). Also called: Thoracic aortic aneurysms and dissections. Identifiers: Orphanet 91387, MedGen C4707243, MONDO:0019625.

Submission:

Ambry Genetics
Classification: Uncertain significance for Familial thoracic aortic aneurysm and aortic dissection. Last evaluated: 2023-07-18. Review status: criteria provided, single submitter. Criteria: Ambry Variant Classification Scheme 2023. Collection method: clinical testing. Allele origin: germline.
Comment: The p.K299N variant (also known as c.897G>C), located in coding exon 13 of the COL5A2 gene, results from a G to C substitution at nucleotide position 897. The lysine at codon 299 is replaced by asparagine, an amino acid with similar properties. This amino acid position is highly conserved in available vertebrate species. In addition, the in silico prediction for this alteration is inconclusive. Since supporting evidence is limited at this time, the clinical significance of this alteration remains unclear.